The following is an entry in ClinVar:

ClinVar aggregate classification (germline): Benign/Likely benign. Review status: criteria provided, multiple submitters, no conflicts (2 of 4 stars). 3 submissions from 3 submitters: Benign (1); Likely benign (2). Last evaluated 2026-07-14.

Conditions:
Hereditary cancer-predisposing syndrome. Also called: Hereditary Cancer Syndrome; Hereditary neoplastic syndrome; Neoplastic Syndromes, Hereditary; Tumor predisposition. Identifiers: Orphanet 140162, MedGen C0027672, MeSH D009386, MONDO:0015356.
Rhabdoid tumor predisposition syndrome 2 (RTPS2). Identifiers: Orphanet 231108, Orphanet 69077, MedGen C2750074, MONDO:0013224, OMIM 613325.

Allele frequency attached by ClinVar (database versions not stated): gnomAD 0.00005; TOPMed 0.00001; gnomAD exomes 0.00005 and 0.00004; ExAC 0.00004.
gnomAD v4.1: 64 of 1,609,958 alleles (0.004%); highest among the groups gnomAD compares: Non-Finnish European, 0.0037%; 1 homozygote.

Submissions (3):

Myriad Genetics, Inc.
Classification: Benign for Rhabdoid tumor predisposition syndrome 2. Last evaluated: 2026-07-14. Review status: criteria provided, single submitter. Criteria: Myriad Autosomal Dominant, Autosomal Recessive and X-Linked Classification Criteria (2023). Collection method: clinical testing. Allele origin: unknown.
Comment: This variant is considered benign. This variant is a silent/synonymous amino acid change and it is not expected to impact splicing.

Labcorp Genetics (formerly Invitae), Labcorp
Classification: Likely benign for Rhabdoid tumor predisposition syndrome 2. Last evaluated: 2025-12-12. Review status: criteria provided, single submitter. Criteria: Invitae Variant Classification Sherloc (09022015). Collection method: clinical testing. Allele origin: germline.

Ambry Genetics
Classification: Likely benign for Hereditary cancer-predisposing syndrome. Last evaluated: 2016-07-15. Review status: criteria provided, single submitter. Criteria: Ambry Variant Classification Scheme 2023. Collection method: clinical testing. Allele origin: germline.

NM_003072.5(SMARCA4):c.3444G>A (p.Glu1148=)

Gene: SMARCA4 (SWI/SNF related BAF chromatin remodeling complex subunit ATPase 4; plus strand). Cytogenetic location: 19p13.2.
Variant type: single nucleotide variant.
Coding change: c.3444G>A on transcript NM_003072.5 (MANE Select); coding-DNA position 3444, G replaced by A.
Protein change: p.Glu1148=; no amino-acid change (glutamic acid 1148 retained).
Molecular consequence: synonymous variant. On other transcripts: non-coding transcript variant (1).
Genome position (GRCh38, 1-based): chr19:11,030,791, G>A. VCF-style: chr19-11030791-G-A. GRCh37 (hg19) VCF-style: chr19-11141467-G-A.
Other names: c.3444G>A, p.Glu1148= (NM_001128846.2, NM_001128847.4, NM_001128848.2 and 5 more transcripts).
Identifiers: ClinVar variation 415049 (VCV000415049.17), dbSNP rs754047386, ClinGen allele CA9204427.